The following is an entry in ClinVar:

NM_032043.3(BRIP1):c.1170C>T (p.Val390=)

Gene: BRIP1 (BRCA1 interacting DNA helicase 1; minus strand). Cytogenetic location: 17q23.2.
Variant type: single nucleotide variant.
Coding change: c.1170C>T on transcript NM_032043.3 (MANE Select); coding-DNA position 1170, C replaced by T.
Protein change: p.Val390=; no amino-acid change (valine 390 retained).
Molecular consequence: synonymous variant.
Genome position (GRCh38, 1-based): chr17:61,799,270, G>A on the plus strand (C>T on the coding strand, the complement: BRIP1 is on the minus strand). VCF-style: chr17-61799270-G-A. GRCh37 (hg19) VCF-style: chr17-59876631-G-A.
Identifiers: ClinVar variation 241623 (VCV000241623.32), dbSNP rs754755989, ClinGen allele CA8690778.

ClinVar aggregate classification (germline): Conflicting classifications of pathogenicity. Review status: criteria provided, conflicting classifications (1 of 4 stars). 9 submissions from 9 submitters: Uncertain significance (1); Benign (1); Likely benign (6). 1 of the submissions does not count toward it. Last evaluated 2026-01-13.

Conditions:
BRIP1-related disorder. Also called: BRIP1-related condition; BRIP1-related disorders. Identifiers: MedGen CN239206.
Familial cancer of breast. Also called: BREAST CANCER, FAMILIAL; Hereditary breast cancer; hereditary breast carcinoma. Identifiers: Orphanet 227535, MedGen C0346153, MONDO:0016419, OMIM 114480. Disease mechanism: loss of function.
Fanconi anemia complementation group J. Also called: BRIP1-Related Fanconi Anemia. Identifiers: Orphanet 84, MedGen C1836860, MONDO:0012187, OMIM 609054.
Hereditary cancer-predisposing syndrome. Also called: Neoplastic Syndromes, Hereditary; Hereditary neoplastic syndrome; Hereditary Cancer Syndrome; Tumor predisposition. Identifiers: Orphanet 140162, MedGen C0027672, MeSH D009386, MONDO:0015356.
Malignant tumor of breast. Also called: Malignant breast neoplasm; Cancer breast. Identifiers: MedGen C0006142, MONDO:0007254. Disease mechanism: loss of function.

Allele frequency attached by ClinVar (database versions not stated): gnomAD below 0.00001 and 0.00004; TOPMed below 0.00001; gnomAD exomes 0.00003 and 0.00005; ExAC 0.00007.
gnomAD v4.1: 56 of 1,612,964 alleles (0.0035%); highest among the groups gnomAD compares: South Asian, 0.06%; no homozygotes.

Submissions (9):

Labcorp Genetics (formerly Invitae), Labcorp
Classification: Likely benign for Familial cancer of breast; Fanconi anemia complementation group J. Last evaluated: 2026-01-13. Review status: criteria provided, single submitter. Criteria: Invitae Variant Classification Sherloc (09022015). Collection method: clinical testing. Allele origin: germline.

PreventionGenetics, part of Exact Sciences
Classification: Likely benign for BRIP1-related condition. Last evaluated: 2025-01-17. Review status: criteria provided, single submitter. Criteria: ACMG Guidelines, 2015. Collection method: clinical testing. Allele origin: germline.
Comment: This variant is classified as likely benign based on ACMG/AMP sequence variant interpretation guidelines (Richards et al. 2015 PMID: 25741868, with internal and published modifications).

Myriad Genetics, Inc.
Classification: Benign for Familial cancer of breast. Last evaluated: 2024-08-26. Review status: criteria provided, single submitter. Criteria: Myriad Autosomal Dominant, Autosomal Recessive and X-Linked Classification Criteria (2023). Collection method: clinical testing. Allele origin: unknown.
Comment: This variant is considered benign. This variant is a silent/synonymous amino acid change and it is not expected to impact splicing.

Blueprint Genetics
Classification: Likely benign. Last evaluated: 2023-10-18. Review status: criteria provided, single submitter. Criteria: ACMG Guidelines, 2015. Collection method: clinical testing. Allele origin: germline.

GeneDx
Classification: Uncertain significance. Last evaluated: 2023-08-02. Review status: criteria provided, single submitter. Criteria: GeneDx Variant Classification Process June 2021. Collection method: clinical testing. Allele origin: germline. Affected: yes.
Comment: In silico analysis supports that this variant does not alter splicing; Has not been previously published as pathogenic or benign to our knowledge

Quest Diagnostics Nichols Institute San Juan Capistrano
Classification: Likely benign. Last evaluated: 2021-03-16. Review status: criteria provided, single submitter. Criteria: Quest Diagnostics criteria. Collection method: clinical testing. Allele origin: unknown.

Ambry Genetics
Classification: Likely benign for Hereditary cancer-predisposing syndrome. Last evaluated: 2016-01-04. Review status: criteria provided, single submitter. Criteria: Ambry Variant Classification Scheme 2023. Collection method: clinical testing. Allele origin: germline.

Color Diagnostics, LLC DBA Color Health
Classification: Likely benign for Hereditary cancer-predisposing syndrome. Last evaluated: 2015-12-14. Review status: criteria provided, single submitter. Criteria: ACMG Guidelines, 2015. Collection method: clinical testing. Allele origin: germline.

Department of Pathology and Laboratory Medicine, Sinai Health System
Classification: Likely benign for Malignant tumor of breast. Review status: no assertion criteria provided. Collection method: clinical testing. Allele origin: unknown. Affected: yes. Study: The Canadian Open Genetics Repository (COGR). Not counted in ClinVar's aggregate classification.
Comment: The BRIP1 p.Val390= variant was not identified in the literature. The variant was identified in dbSNP (rs754755989) as â€šÃ„Ãºwith likely benign alleleâ€šÃ„Ã¹ and ClinVar (interpreted as "likely benign" by Invitae, Color and Ambry Genetics). The variant was identified in control databases in 13 of 245,134 chromosomes at a frequency of 0.00005 (Genome Aggregation Database Feb 27, 2017). The variant was observed in the following populations: and South Asian in 13 of 30,722 chromosomes (freq: 0.0004). The variant was not observed in the African, Other, Latino, European, Ashkenazi Jewish, East Asian and Finnish populations. The p.Val390= variant is not expected to have clinical significance because it does not result in a change of amino acid and is not located in a known consensus splice site. The variant occurs outside of the splicing consensus sequence and in silico or computational prediction software programs (SpliceSiteFinder, MaxEntScan, NNSPLICE, GeneSplicer) do not predict a difference in splicing. In summary, based on the above information the clinical significance of this variant cannot be determined with certainty at this time although we would lean towards a more benign role for this variant. This variant is classified as likely benign.